The following is an entry in ClinVar:

ClinVar aggregate classification (germline): Likely benign. Review status: criteria provided, multiple submitters, no conflicts (2 of 4 stars). 2 submissions from 2 submitters: Likely benign (2). Last evaluated 2023-05-01.

Submissions (2):

CeGaT Center for Human Genetics Tuebingen
Classification: Likely benign. Last evaluated: 2023-05-01. Review status: criteria provided, single submitter. Criteria: CeGaT Center For Human Genetics Tuebingen Variant Classification Criteria Version 2. Collection method: clinical testing. Allele origin: germline. Affected: yes. Observed: 1 variant allele.
Comment: SRCAP: PM2:Supporting, BP4, BP7

Labcorp Genetics (formerly Invitae), Labcorp
Classification: Likely benign. Last evaluated: 2018-03-29. Review status: criteria provided, single submitter. Criteria: Invitae Variant Classification Sherloc (09022015). Collection method: clinical testing. Allele origin: germline.

NM_006662.3(SRCAP):c.8694T>G (p.Pro2898=)

Gene: SRCAP (Snf2 related CREBBP activator protein; plus strand). Cytogenetic location: 16p11.2.
Variant type: single nucleotide variant.
Coding change: c.8694T>G on transcript NM_006662.3 (MANE Select); coding-DNA position 8694, T replaced by G.
Protein change: p.Pro2898=; no amino-acid change (proline 2898 retained).
Molecular consequence: synonymous variant.
Genome position (GRCh38, 1-based): chr16:30,738,734, T>G. VCF-style: chr16-30738734-T-G. GRCh37 (hg19) VCF-style: chr16-30750055-T-G.
Identifiers: ClinVar variation 738046 (VCV000738046.30), dbSNP rs1596669583, ClinGen allele CA494911429.